The following is an entry in ClinVar:

NM_000052.7(ATP7A):c.4445C>G (p.Pro1482Arg)

Gene: ATP7A (ATPase copper transporting alpha; plus strand). Cytogenetic location: Xq21.1.
Variant type: single nucleotide variant.
Coding change: c.4445C>G on transcript NM_000052.7 (MANE Select); coding-DNA position 4445, C replaced by G.
Protein change: p.Pro1482Arg; replaces proline 1482 with arginine.
Molecular consequence: missense variant. On other transcripts: non-coding transcript variant (1).
Genome position (GRCh38, 1-based): chrX:78,046,512, C>G. VCF-style: chrX-78046512-C-G. GRCh37 (hg19) VCF-style: chrX-77302009-C-G.
Other names: c.4211C>G, p.Pro1404Arg (NM_001282224.2); short protein forms P1482R, P1404R.
Identifiers: ClinVar variation 465126 (VCV000465126.9), dbSNP rs1557239147, ClinGen allele CA413606437.

ClinVar aggregate classification (germline): Uncertain significance (1 of 4 stars; one submission).

Conditions:
Cutis laxa, X-linked (OHS). Also called: EDS IX; Occipital horn syndrome. Identifiers: Orphanet 198, MedGen C0268353, MONDO:0010572, OMIM 304150.
Menkes kinky-hair syndrome (MNK). Also called: Classic Menkes Disease; Copper transport disease; Menkes Disease. Identifiers: Orphanet 565, MedGen C0022716, MONDO:0010651, OMIM 309400.
X-linked distal spinal muscular atrophy type 3. Also called: SPINAL MUSCULAR ATROPHY, DISTAL, X-LINKED RECESSIVE; ATP7A-Related Distal Motor Neuropathy; NEURONOPATHY, DISTAL HEREDITARY MOTOR, X-LINKED; NEUROPATHY, DISTAL HEREDITARY MOTOR, X-LINKED. Identifiers: Orphanet 139557, MedGen C1845359, MONDO:0010338, OMIM 300489.

Submission:

Labcorp Genetics (formerly Invitae), Labcorp
Classification: Uncertain significance for X-linked distal spinal muscular atrophy type 3; Cutis laxa, X-linked; Menkes kinky-hair syndrome. Last evaluated: 2017-07-23. Review status: criteria provided, single submitter. Criteria: Invitae Variant Classification Sherloc (09022015). Collection method: clinical testing. Allele origin: germline.
Comment: In summary, the available evidence is currently insufficient to determine the role of this variant in disease. Therefore, it has been classified as a Variant of Uncertain Significance. Algorithms developed to predict the effect of missense changes on protein structure and function do not agree on the potential impact of this missense change (SIFT: "Deleterious"; PolyPhen-2: "Probably Damaging"; Align-GVGD: "Class C15"). This variant has not been reported in the literature in individuals with ATP7A-related disease. This variant is not present in population databases (ExAC no frequency). This sequence change replaces proline with arginine at codon 1482 of the ATP7A protein (p.Pro1482Arg). The proline residue is highly conserved and there is a moderate physicochemical difference between proline and arginine.